The following is an entry in ClinVar:

NM_080425.4(GNAS):c.1491C>T (p.Pro497=)

Gene: GNAS (GNAS complex locus; plus strand). Cytogenetic location: 20q13.32.
Variant type: single nucleotide variant.
Coding change: c.1491C>T on transcript NM_080425.4 (MANE Plus Clinical); coding-DNA position 1491, C replaced by T.
Protein change: p.Pro497=; no amino-acid change (proline 497 retained).
Molecular consequence: synonymous variant. On other transcripts: missense variant (2), intron variant (3).
Genome position (GRCh38, 1-based): chr20:58,854,756, C>T. VCF-style: chr20-58854756-C-T. GRCh37 (hg19) VCF-style: chr20-57429811-C-T.
Other names: c.1304C>T, p.Pro435Leu (NM_001077490.3, NM_001309883.1); c.1491C>T, p.Pro497= (NM_001410913.1); c.*42+13870C>T (NM_016592.5); c.43+13870C>T (NM_001410912.1); c.-39+12881C>T (NM_001309861.2); short protein forms P435L.
Identifiers: ClinVar variation 3033538 (VCV003033538.2), dbSNP rs770929037, ClinGen allele CA9926696.

ClinVar aggregate classification (germline): Likely benign (0 of 4 stars; one submission).

Conditions:
GNAS-related disorder. Identifiers: MedGen CN380105.

Allele frequency attached by ClinVar (database versions not stated): gnomAD 0.00020; ExAC 0.00028; TOPMed 0.00036.
gnomAD v4.1: 72 of 1,548,158 alleles (0.0047%); highest among the groups gnomAD compares: African/African-American, 0.08%; no homozygotes.

Submission:

PreventionGenetics, part of Exact Sciences
Classification: Likely benign for GNAS-related condition. Last evaluated: 2023-11-13. Review status: no assertion criteria provided. Collection method: clinical testing. Allele origin: germline.
Comment: This variant is classified as likely benign based on ACMG/AMP sequence variant interpretation guidelines (Richards et al. 2015 PMID: 25741868, with internal and published modifications).